The following is an entry in ClinVar:

ClinVar aggregate classification (germline): Benign/Likely benign. Review status: criteria provided, multiple submitters, no conflicts (2 of 4 stars). 4 submissions from 4 submitters: Benign (1); Likely benign (3). Last evaluated 2025-12-23.

Conditions:
Oroticaciduria. Also called: Orotic aciduria. Identifiers: Orphanet 30, MedGen C0268128, HP:0003218.
Hereditary orotic aciduria, type 1. Also called: Orotic aciduria type 1; Oroticaciduria 1. Identifiers: MedGen C0268130.

Allele frequency attached by ClinVar (database versions not stated): ESP Exome Variant Server 0.00169; TOPMed 0.00185; 1000 Genomes Project 30x 0.00312; 1000 Genomes Project 0.00319.
gnomAD v4.1: 489 of 1,614,170 alleles (0.03%); highest among the groups gnomAD compares: African/African-American, 0.58%; 3 homozygotes.

Submissions (4):

Labcorp Genetics (formerly Invitae), Labcorp
Classification: Benign for Hereditary orotic aciduria, type 1. Last evaluated: 2025-12-23. Review status: criteria provided, single submitter. Criteria: Invitae Variant Classification Sherloc (09022015). Collection method: clinical testing. Allele origin: germline.

Blueprint Genetics
Classification: Likely benign. Last evaluated: 2024-05-28. Review status: criteria provided, single submitter. Criteria: ACMG Guidelines, 2015. Collection method: clinical testing. Allele origin: germline.

Illumina Laboratory Services, Illumina
Classification: Likely benign for Hereditary orotic aciduria. Last evaluated: 2018-01-13. Review status: criteria provided, single submitter. Criteria: ICSL Variant Classification Criteria 13 December 2019. Collection method: clinical testing. Allele origin: germline.
Comment: This variant was observed in the ICSL laboratory as part of a predisposition screen in an ostensibly healthy population. It had not been previously curated by ICSL or reported in the Human Gene Mutation Database (HGMD: prior to June 1st, 2018), and was therefore a candidate for classification through an automated scoring system. Utilizing variant allele frequency, disease prevalence and penetrance estimates, and inheritance mode, an automated score was calculated to assess if this variant is too frequent to cause the disease. Based on the score and internal cut-off values, a variant classified as likely benign is not then subjected to further curation. The score for this variant resulted in a classification of likely benign for this disease.

Breakthrough Genomics
Classification: Likely benign. Review status: criteria provided, single submitter. Criteria: ACMG Guidelines, 2015. Collection method: not provided. Allele origin: germline. Inheritance: Autosomal recessive inheritance. Affected: yes.

NM_000373.4(UMPS):c.18A>G (p.Ala6=)

Gene: UMPS (uridine monophosphate synthetase; plus strand). Cytogenetic location: 3q21.2.
Variant type: single nucleotide variant.
Coding change: c.18A>G on transcript NM_000373.4 (MANE Select); coding-DNA position 18, A replaced by G.
Protein change: p.Ala6=; no amino-acid change (alanine 6 retained).
Molecular consequence: synonymous variant. On other transcripts: non-coding transcript variant (2).
Genome position (GRCh38, 1-based): chr3:124,730,489, A>G. VCF-style: chr3-124730489-A-G. GRCh37 (hg19) VCF-style: chr3-124449336-A-G.
Identifiers: ClinVar variation 342926 (VCV000342926.16), dbSNP rs141501397, ClinGen allele CA2581554.
Genomic context (GRCh38, chr3:124,730,489, plus strand): 5'-CCGGGGCGCCTGGGAATTTGAAGCAAACAGGCAGCGCGCGACAATGGCGGTCGCTCGTGC[A>G]GCTTTGGGGCCATTGGTGACGGGTCTGTACGACGTGCAGGCTTTCAAGTTTGGGGACTTC-3'
Protein context (NP_000364.1, residues 1-16): MAVAR[Ala6=]ALGPLVTGLY